The following is an entry in ClinVar:

ClinVar aggregate classification (germline): Uncertain significance (1 of 4 stars; one submission).

Conditions:
Luscan-Lumish syndrome. Identifiers: Orphanet 597738, MedGen C4085873, MONDO:0014791, OMIM 616831.

Allele frequency attached by ClinVar (database versions not stated): gnomAD exomes below 0.00001; ExAC 0.00001.
gnomAD v4.1: 3 of 1,614,178 alleles (0.00019%); highest among the groups gnomAD compares: Non-Finnish European, 0.00025%; no homozygotes.

Submission:

Labcorp Genetics (formerly Invitae), Labcorp
Classification: Uncertain significance for Luscan-Lumish syndrome. Last evaluated: 2020-10-01. Review status: criteria provided, single submitter. Criteria: Invitae Variant Classification Sherloc (09022015). Collection method: clinical testing. Allele origin: germline.
Comment: In summary, the available evidence is currently insufficient to determine the role of this variant in disease. Therefore, it has been classified as a Variant of Uncertain Significance. Algorithms developed to predict the effect of missense changes on protein structure and function are either unavailable or do not agree on the potential impact of this missense change (SIFT: "Tolerated"; PolyPhen-2: "Possibly Damaging"; Align-GVGD: "Class C0"). This variant has not been reported in the literature in individuals with SETD2-related conditions. This variant is present in population databases (rs755498169, ExAC 0.001%). This sequence change replaces aspartic acid with histidine at codon 1208 of the SETD2 protein (p.Asp1208His). The aspartic acid residue is moderately conserved and there is a moderate physicochemical difference between aspartic acid and histidine.

NM_014159.7(SETD2):c.3622G>C (p.Asp1208His)

Gene: SETD2 (SET domain containing 2, histone lysine methyltransferase; minus strand). Cytogenetic location: 3p21.31.
Variant type: single nucleotide variant.
Coding change: c.3622G>C on transcript NM_014159.7 (MANE Select); coding-DNA position 3622, G replaced by C.
Protein change: p.Asp1208His; replaces aspartic acid 1208 with histidine.
Molecular consequence: missense variant. On other transcripts: non-coding transcript variant (1).
Genome position (GRCh38, 1-based): chr3:47,121,014, C>G on the plus strand (G>C on the coding strand, the complement: SETD2 is on the minus strand). VCF-style: chr3-47121014-C-G. GRCh37 (hg19) VCF-style: chr3-47162504-C-G.
Other names: c.3490G>C, p.Asp1164His (NM_001349370.3); short protein forms D1164H, D1208H.
Identifiers: ClinVar variation 1014723 (VCV001014723.5), dbSNP rs755498169, ClinGen allele CA2363354.